The following is an entry in ClinVar:

ClinVar aggregate classification (germline): Pathogenic. Review status: criteria provided, multiple submitters, no conflicts (2 of 4 stars). 2 submissions from 2 submitters: Pathogenic (2). Last evaluated 2023-11-18.

Conditions:
MAFB-related disorder. Also called: MAFB-related condition.

Submissions (2):

Labcorp Genetics (formerly Invitae), Labcorp
Classification: Pathogenic. Last evaluated: 2023-11-18. Review status: criteria provided, single submitter. Criteria: Invitae Variant Classification Sherloc (09022015). Collection method: clinical testing. Allele origin: germline.
Comment: This sequence change replaces proline, which is neutral and non-polar, with leucine, which is neutral and non-polar, at codon 63 of the MAFB protein (p.Pro63Leu). This variant is not present in population databases (gnomAD no frequency). This missense change has been observed in individual(s) with clinical features of multicentric carpotarsal osteolysis syndrome (PMID: 29675035). In at least one individual the variant was observed to be de novo. Advanced modeling of protein sequence and biophysical properties (such as structural, functional, and spatial information, amino acid conservation, physicochemical variation, residue mobility, and thermodynamic stability) performed at Invitae indicates that this missense variant is expected to disrupt MAFB protein function with a positive predictive value of 80%. This variant disrupts the p.Pro63 amino acid residue in MAFB. Other variant(s) that disrupt this residue have been determined to be pathogenic (Invitae). This suggests that this residue is clinically significant, and that variants that disrupt this residue are likely to be disease-causing. For these reasons, this variant has been classified as Pathogenic.

PreventionGenetics, part of Exact Sciences
Classification: Pathogenic for MAFB-related condition. Last evaluated: 2023-04-21. Review status: criteria provided, single submitter. Criteria: ACMG Guidelines, 2015. Collection method: clinical testing. Allele origin: germline.
Comment: The MAFB c.188C>T variant is predicted to result in the amino acid substitution p.Pro63Leu. This variant has been reported to be causative for multicentric carpotarsal osteolysis (Stajkovska et al. 2018. PubMed ID: 29675035, reported as a de novo variant; Cuevas et al. 2017. PubMed ID: 28093525). This variant has not been reported in a large population database, indicating this variant is rare. A different variant affecting the same amino acid (p.Pro63Arg) has also reported to be pathogenic (Zankl et al. 2012. PubMed ID: 22387013). Based on this evidence, we interpret the c.188C>T (p.Pro63Leu) variant as pathogenic.

Literature cited by the submitters: PubMed 29675035 (cited by Labcorp Genetics (formerly Invitae), Labcorp).

NM_005461.5(MAFB):c.188C>T (p.Pro63Leu)

Gene: MAFB (MAF bZIP transcription factor B; minus strand). Cytogenetic location: 20q12.
Variant type: single nucleotide variant.
Coding change: c.188C>T on transcript NM_005461.5 (MANE Select); coding-DNA position 188, C replaced by T.
Protein change: p.Pro63Leu; replaces proline 63 with leucine.
Molecular consequence: missense variant.
Genome position (GRCh38, 1-based): chr20:40,688,663, G>A on the plus strand (C>T on the coding strand, the complement: MAFB is on the minus strand). VCF-style: chr20-40688663-G-A. GRCh37 (hg19) VCF-style: chr20-39317303-G-A.
Other names: short protein forms P63L.
Identifiers: ClinVar variation 2634426 (VCV002634426.4), dbSNP rs2515463632, ClinGen allele CA408941712.